The following is an entry in ClinVar:

ClinVar aggregate classification (germline): Likely benign (1 of 4 stars; one submission).

Allele frequency attached by ClinVar (database versions not stated): TOPMed 0.00001; gnomAD exomes 0.00002 and 0.00005.
gnomAD v4.1: 8 of 1,471,702 alleles (0.00054%); highest among the groups gnomAD compares: Middle Eastern, 0.056%; no homozygotes.

Submission:

GeneDx
Classification: Likely benign. Last evaluated: 2018-04-25. Review status: criteria provided, single submitter. Criteria: GeneDx Variant Classification (06012015). Collection method: clinical testing. Allele origin: germline. Affected: yes.
Comment: This variant is considered likely benign or benign based on one or more of the following criteria: it is a conservative change, it occurs at a poorly conserved position in the protein, it is predicted to be benign by multiple in silico algorithms, and/or has population frequency not consistent with disease.

NM_015681.3(B9D1):c.-199C>T

Gene: B9D1 (B9 domain containing 1; minus strand). Cytogenetic location: 17p11.2.
Variant type: single nucleotide variant.
Coding change: c.-199C>T on transcript NM_015681.3; 199 bases upstream of the start codon, C replaced by T.
Molecular consequence: intron variant (on NM_001368769.2).
Genome position (GRCh38, 1-based): chr17:19,362,768, G>A on the plus strand (C>T on the coding strand, the complement: B9D1 is on the minus strand). VCF-style: chr17-19362768-G-A. GRCh37 (hg19) VCF-style: chr17-19266081-G-A.
Other names: c.-297-2380C>T (NM_001368769.2).
Identifiers: ClinVar variation 682321 (VCV000682321.3), dbSNP rs1314004287, ClinGen allele CA625100318.
Genomic context (GRCh38, chr17:19,362,768, plus strand): 5'-TGCGCGTGTGGCATGCGCAGGCGCAGTGAACGGGCGCCGTTATAAGGGGGCGGGGCACAA[G>A]GGGCGGGGATCCACGCCGAGGCTCCACCCCTCCTTAGGGCAGGTATGACCGAGAGCTGGG-3'